The following is an entry in ClinVar:

ClinVar aggregate classification (germline): Pathogenic (1 of 4 stars; one submission).

Conditions:
BBS2-related ciliopathy. Identifiers: MedGen CN378634, MONDO:1040048.

Submission:

Myriad Genetics, Inc.
Classification: Pathogenic for BBS2-related ciliopathy. Last evaluated: 2026-02-17. Review status: criteria provided, single submitter. Criteria: Myriad Autosomal Dominant, Autosomal Recessive and X-Linked Classification Criteria (2023). Collection method: clinical testing. Allele origin: unknown.
Comment: NM_031885.3(BBS2):c.1864delC(R622Efs*12) is expected to be pathogenic in the context of Bardet-Biedl syndrome, BBS2-related. This variant is predicted to lead to an abnormal or absent protein product due to the creation of a premature termination codon in BBS2, a gene where loss-of-function variants are known to be pathogenic. Please note: this variant was assessed in the context of healthy population screening.

NM_031885.5(BBS2):c.1864del (p.Arg622fs)

Gene: BBS2 (Bardet-Biedl syndrome 2; minus strand). Cytogenetic location: 16q13.
Variant type: Deletion.
Coding change: c.1864del on transcript NM_031885.5 (MANE Select); coding-DNA position 1864, one base deleted (C; older notation c.1864delC).
Protein change: p.Arg622fs; shifts the reading frame from arginine 622.
Molecular consequence: frameshift variant. On other transcripts: non-coding transcript variant (5).
Genome position (GRCh38, 1-based): chr16:56,497,013, G deleted on the plus strand (C on the coding strand, the reverse complement: BBS2 is on the minus strand); the first of 2 consecutive G bases (chr16:56,497,013-56,497,014); deleting either gives the same sequence. VCF-style (leftmost placement, unchanged base first): chr16-56497012-CG-C. GRCh37 (hg19) VCF-style: chr16-56530924-CG-C.
Other names: c.1864del, p.Arg622fs (NM_001377456.1); short protein forms R622fs.
Identifiers: ClinVar variation 5015565 (VCV005015565.1).